The following is an entry in ClinVar:

NM_000038.6(APC):c.7378G>A (p.Ala2460Thr)

Gene: APC (APC regulator of Wnt signaling pathway; plus strand). Cytogenetic location: 5q22.2.
Variant type: single nucleotide variant.
Coding change: c.7378G>A on transcript NM_000038.6 (MANE Select); coding-DNA position 7378, G replaced by A.
Protein change: p.Ala2460Thr; replaces alanine 2460 with threonine.
Molecular consequence: missense variant. On other transcripts: non-coding transcript variant (2).
Genome position (GRCh38, 1-based): chr5:112,842,972, G>A. VCF-style: chr5-112842972-G-A. GRCh37 (hg19) VCF-style: chr5-112178669-G-A.
Other names: c.7408G>A, p.Ala2470Thr (NM_001354897.2); c.7303G>A, p.Ala2435Thr (NM_001354898.2); c.7294G>A, p.Ala2432Thr (NM_001354899.2); c.7255G>A, p.Ala2419Thr (NM_001354900.2); c.7201G>A, p.Ala2401Thr (NM_001354901.2, NM_001407453.1); c.7105G>A, p.Ala2369Thr (NM_001354902.2); c.7075G>A, p.Ala2359Thr (NM_001354903.2, NM_001407458.1, NM_001407459.1 and 1 more transcripts); c.7000G>A, p.Ala2334Thr (NM_001354904.2); and 11 more; short protein forms A2076T, A2177T, A2300T, A2331T, A2334T, A2359T, A2369T, A2377T.
Identifiers: ClinVar variation 4801520 (VCV004801520.1).

ClinVar aggregate classification (germline): Uncertain significance (1 of 4 stars; one submission).

Conditions:
Familial adenomatous polyposis 1 (FAP1). Also called: FAMILIAL ADENOMATOUS POLYPOSIS 1, ATTENUATED; POLYPOSIS, ADENOMATOUS INTESTINAL. Identifiers: MedGen C2713442, MONDO:0021056, OMIM 175100. Disease mechanism: loss of function.

Submission:

Labcorp Genetics (formerly Invitae), Labcorp
Classification: Uncertain significance for Familial adenomatous polyposis 1. Last evaluated: 2025-09-03. Review status: criteria provided, single submitter. Criteria: Invitae Variant Classification Sherloc (09022015). Collection method: clinical testing. Allele origin: germline.
Comment: This sequence change replaces alanine, which is neutral and non-polar, with threonine, which is neutral and polar, at codon 2460 of the APC protein (p.Ala2460Thr). This variant is not present in population databases (gnomAD no frequency). This variant has not been reported in the literature in individuals affected with APC-related conditions. Invitae Evidence Modeling of protein sequence and biophysical properties (such as structural, functional, and spatial information, amino acid conservation, physicochemical variation, residue mobility, and thermodynamic stability) indicates that this missense variant is not expected to disrupt APC protein function with a negative predictive value of 95%. In summary, the available evidence is currently insufficient to determine the role of this variant in disease. Therefore, it has been classified as a Variant of Uncertain Significance.